The following is an entry in ClinVar:

NM_033380.3(COL4A5):c.2349G>A (p.Pro783=)

Gene: COL4A5 (collagen type IV alpha 5 chain; plus strand). Cytogenetic location: Xq22.3.
Variant type: single nucleotide variant.
Coding change: c.2349G>A on transcript NM_033380.3 (MANE Select); coding-DNA position 2349, G replaced by A.
Protein change: p.Pro783=; no amino-acid change (proline 783 retained).
Molecular consequence: synonymous variant.
Genome position (GRCh38, 1-based): chrX:108,606,846, G>A. VCF-style: chrX-108606846-G-A. GRCh37 (hg19) VCF-style: chrX-107850076-G-A.
Other names: p.Pro783=; c.2349G>A (NM_033380.1); c.2349G>A, p.Pro783= (NM_000495.5).
Identifiers: ClinVar variation 24511 (VCV000024511.29), dbSNP rs3747408, ClinGen allele CA258666.
Genomic context (GRCh38, chrX:108,606,846, plus strand): 5'-ACTTCCAGGTTTCAAAGGAGCACTTGGTCCAAAAGGTGATCGTGGTTTCCCAGGACCTCC[G>A]GGTCCTCCAGGACGCACTGGCTTAGATGGGCTCCCTGGACCAAAAGGTATGGAGGCTGTC-3'
Protein context (NP_203699.1, residues 773-793): PKGDRGFPGP[Pro783=]GPPGRTGLDG

ClinVar aggregate classification (germline): Benign. Review status: criteria provided, multiple submitters, no conflicts (2 of 4 stars). 10 submissions from 10 submitters: Benign (9). 1 of the submissions does not count toward it. Last evaluated 2026-02-04.

Conditions:
X-linked Alport syndrome (ATS1). Also called: NEPHROPATHY AND DEAFNESS, X-LINKED; COL4A5-Related Nephropathy. Identifiers: Orphanet 63, Orphanet 88917, MedGen C4746986, MONDO:0010520, OMIM 301050.

Allele frequency attached by ClinVar (database versions not stated): ExAC 0.05154; gnomAD 0.10518 and 0.11046; ESP Exome Variant Server 0.12184; gnomAD exomes 0.04536 and 0.01505; 1000 Genomes Project 0.14887; TOPMed 0.12057; 1000 Genomes Project 30x 0.15817.

Submissions (22):

Labcorp Genetics (formerly Invitae), Labcorp
Classification: Benign. Last evaluated: 2026-02-04. Review status: criteria provided, single submitter. Criteria: Invitae Variant Classification Sherloc (09022015). Collection method: clinical testing. Allele origin: germline.

Women's Health and Genetics/Laboratory Corporation of America, LabCorp
Classification: Benign. Last evaluated: 2024-11-29. Review status: criteria provided, single submitter. Criteria: LabCorp Variant Classification Summary - May 2015. Collection method: clinical testing. Allele origin: germline.

Blueprint Genetics
Classification: Benign. Last evaluated: 2024-11-28. Review status: criteria provided, single submitter. Criteria: ACMG Guidelines, 2015. Collection method: clinical testing. Allele origin: germline.

Mayo Clinic Laboratories, Mayo Clinic
Classification: Benign. Last evaluated: 2023-03-26. Review status: criteria provided, single submitter. Criteria: ACMG Guidelines, 2015. Collection method: clinical testing. Allele origin: germline. Observed: 35 variant alleles.

ARUP Laboratories, Molecular Genetics and Genomics, ARUP Laboratories
Classification: Benign for X-linked Alport syndrome. Last evaluated: 2020-01-21. Review status: criteria provided, single submitter. Criteria: ARUP Molecular Germline Variant Investigation Process. Collection method: clinical testing. Allele origin: germline.

Laboratory for Molecular Medicine, Mass General Brigham Personalized Medicine
Classification: Benign. Last evaluated: 2016-03-21. Review status: criteria provided, single submitter. Criteria: LMM Criteria. Collection method: clinical testing. Allele origin: germline. Observed: 20 variant alleles.
Comment: p.Pro783Pro in exon 29 of COL4A5: This variant is not expected to have clinical significance because it does not alter an amino acid residue, is not located wit hin the splice consensus sequence, and has been identified in 39.48% (396/1003) of African chromosomes by the 1000 Genomes Project (Phase 3; dbSNP rs3747408).

GeneDx
Classification: Benign. Last evaluated: 2015-03-03. Review status: criteria provided, single submitter. Criteria: GeneDx Variant Classification Process June 2021. Collection method: clinical testing. Allele origin: germline. Affected: yes.

Breakthrough Genomics
Classification: Benign. Review status: criteria provided, single submitter. Criteria: ACMG Guidelines, 2015. Collection method: not provided. Allele origin: germline. Inheritance: X-linked inheritance. Affected: yes.

PreventionGenetics, part of Exact Sciences
Classification: Benign. Review status: criteria provided, single submitter. Criteria: ACMG Guidelines, 2015. Collection method: clinical testing. Allele origin: germline.

Natera, Inc.
Classification: Benign for X-linked Alport syndrome. Last evaluated: 2020-09-16. Review status: no assertion criteria provided. Collection method: clinical testing. Allele origin: germline. Not counted in ClinVar's aggregate classification.

Dr. Peter K. Rogan Lab, Western University
No classification provided (evidence only). Condition: Acute myeloid leukemia. Review status: no classification provided. Collection method: in vitro. Allele origin: not applicable. Functional consequence: retained intron. Not counted in ClinVar's aggregate classification.

Dr. Peter K. Rogan Lab, Western University
No classification provided (evidence only). Condition: Acute myeloid leukemia. Review status: no classification provided. Collection method: in vitro. Allele origin: not applicable. Functional consequence: skipped exon, retained intron. Not counted in ClinVar's aggregate classification.

Dr. Peter K. Rogan Lab, Western University
No classification provided (evidence only). Condition: Sarcoma. Review status: no classification provided. Collection method: in vitro. Allele origin: not applicable. Functional consequence: retained intron. Not counted in ClinVar's aggregate classification.

Dr. Peter K. Rogan Lab, Western University
No classification provided (evidence only). Condition: Sarcoma. Review status: no classification provided. Collection method: in vitro. Allele origin: not applicable. Functional consequence: retained intron. Not counted in ClinVar's aggregate classification.

Dr. Peter K. Rogan Lab, Western University
No classification provided (evidence only). Condition: Sarcoma. Review status: no classification provided. Collection method: in vitro. Allele origin: not applicable. Functional consequence: retained intron. Not counted in ClinVar's aggregate classification.

Dr. Peter K. Rogan Lab, Western University
No classification provided (evidence only). Condition: Nonpapillary renal cell carcinoma. Review status: no classification provided. Collection method: in vitro. Allele origin: not applicable. Functional consequence: retained intron. Not counted in ClinVar's aggregate classification.

Dr. Peter K. Rogan Lab, Western University
No classification provided (evidence only). Condition: Thymoma. Review status: no classification provided. Collection method: in vitro. Allele origin: not applicable. Functional consequence: skipped exon. Not counted in ClinVar's aggregate classification.

Dr. Peter K. Rogan Lab, Western University
No classification provided (evidence only). Condition: Thymoma. Review status: no classification provided. Collection method: in vitro. Allele origin: not applicable. Functional consequence: skipped exon, retained intron. Not counted in ClinVar's aggregate classification.

Dr. Peter K. Rogan Lab, Western University
No classification provided (evidence only). Condition: Uterine carcinosarcoma. Review status: no classification provided. Collection method: in vitro. Allele origin: not applicable. Functional consequence: skipped exon. Not counted in ClinVar's aggregate classification.

Dr. Peter K. Rogan Lab, Western University
No classification provided (evidence only). Condition: Uterine carcinosarcoma. Review status: no classification provided. Collection method: in vitro. Allele origin: not applicable. Functional consequence: skipped exon. Not counted in ClinVar's aggregate classification.

Dr. Peter K. Rogan Lab, Western University
No classification provided (evidence only). Condition: Hepatocellular carcinoma. Review status: no classification provided. Collection method: in vitro. Allele origin: not applicable. Functional consequence: skipped exon. Not counted in ClinVar's aggregate classification.

Dr. Peter K. Rogan Lab, Western University
No classification provided (evidence only). Condition: Ovarian cancer. Review status: no classification provided. Collection method: in vitro. Allele origin: not applicable. Functional consequence: retained intron. Not counted in ClinVar's aggregate classification.